The following continues an entry in ClinVar:

NM_000535.7(PMS2):c.825A>G (p.Gln275=)

Gene: PMS2. ClinVar aggregate classification (germline): Pathogenic/Likely pathogenic. Pathogenic (9); Likely pathogenic (4).

Submissions 10 to 16 of 16:

All of Us Research Program, National Institutes of Health
Classification: Pathogenic for Lynch syndrome. Last evaluated: 2023-09-18. Review status: criteria provided, single submitter. Criteria: ACMG Guidelines, 2015. Collection method: clinical testing. Allele origin: germline. Inheritance: Autosomal dominant inheritance. Observed: 1 variant allele, 1 heterozygote.
Comment: This synonymous variant causes a A>G nucleotide change in exon 8 of the PMS2 gene. Splice site prediction tools indicate that this variant creates a de novo splice acceptor site 22 nucleotides downstream of the native intron 7/exon 8 splice acceptor site. RNA studies in patient cells (PMID: 21261604) and by minigene analysis (PMID: 26247049) have shown that this variant results in use of the de novo acceptor site in exon 8, resulting in a 22 nucleotide deletion in the mRNA, causing a frameshift and protein truncation. Absence of PMS2 in patient cells by immunohistochemistry has been observed. (PMID: 21261604). This variant has been reported in individuals with phenotypes consistent with constitutional mismatch repair deficiency (CMMRD; PMID: 21261604). This variant has been identified in 2/251422 chromosomes in the general population by the Genome Aggregation Database (gnomAD). Loss of PMS2 function is a known mechanism of disease. Based on the available evidence, this variant is classified as Pathogenic.

This study involves interpretation of variants in research participants for the purpose of population health screening. Participant phenotype was not available at the time of variant classification. Additional details can be found in publication PMID: 35346344, PMCID: PMC8962531

Centre for Mendelian Genomics, University Medical Centre Ljubljana
Classification: Likely pathogenic for Lynch syndrome 4. Last evaluated: 2022-12-09. Review status: criteria provided, single submitter. Criteria: ACMG Guidelines, 2015. Collection method: research. Allele origin: germline. Affected: no.
Comment: PS3, PS4_SUP, PM2_SUP

Fulgent Genetics
Classification: Likely pathogenic for Mismatch repair cancer syndrome 1; Lynch syndrome 4. Last evaluated: 2018-10-31. Review status: criteria provided, single submitter. Criteria: ACMG Guidelines, 2015. Collection method: clinical testing. Allele origin: unknown.

Juno Genomics, Hangzhou Juno Genomics, Inc
Classification: Likely pathogenic for Lynch syndrome 4. Review status: criteria provided, single submitter. Criteria: ACMG Guidelines, 2015. Collection method: clinical testing. Allele origin: germline.
Comment: Null variant in a gene where loss of function (LOF) is a known mechanism of disease.

Laboratory for Genotyping Development, RIKEN
Classification: Pathogenic for Gastric cancer. Last evaluated: 2021-07-01. Review status: no assertion criteria provided. Collection method: research. Allele origin: germline. Not counted in ClinVar's aggregate classification.

University of Washington Department of Laboratory Medicine, University of Washington
Classification: Likely pathogenic for Hereditary nonpolyposis colorectal cancer type 4. Last evaluated: 2019-10-10. Review status: no assertion criteria provided. Collection method: clinical testing. Allele origin: unknown. Affected: no. Not counted in ClinVar's aggregate classification.
Comment: PMS2 (p.Q275Q, NM 000535.5:c.825A>G) is a synonymous variant that is predicted to create a cryptic splice acceptor site. Experimental splice studies have shown that this variant causes aberrant splicing (PMID: 27435373) and leads to loss of function of the PMS2 protein. This evidence is consistent with a likely pathogenic classification.

Dr. Peter K. Rogan Lab, Western University
No classification provided (evidence only). Condition: Familial cancer of breast. Review status: no classification provided. Collection method: in vitro. Allele origin: not applicable. Functional consequence: skipped exon, retained intron. Not counted in ClinVar's aggregate classification.

Literature cited by the submitters: PubMed 21261604 (cited by 5 submitters); PubMed 25856668 (cited by Labcorp Genetics (formerly Invitae), Labcorp and Ambry Genetics); PubMed 26110232 (cited by Labcorp Genetics (formerly Invitae), Labcorp); PubMed 28514183 (cited by Labcorp Genetics (formerly Invitae), Labcorp); PubMed 26247049 (cited by 5 submitters); PubMed 30256826 (cited by Ambry Genetics); PubMed 35532657 (cited by Ambry Genetics and Women's Health and Genetics/Laboratory Corporation of America, LabCorp); PubMed 36988593 (cited by Laboratory for Genotyping Development, RIKEN).